The following is an entry in ClinVar:

NM_017514.5(PLXNA3):c.3442-4C>G

Gene: PLXNA3 (plexin A3; plus strand). Cytogenetic location: Xq28.
Variant type: single nucleotide variant.
Coding change: c.3442-4C>G on transcript NM_017514.5 (MANE Select); 4 bases into the intron before coding-DNA position 3442, C replaced by G.
Molecular consequence: intron variant.
Genome position (GRCh38, 1-based): chrX:154,467,541, C>G. VCF-style: chrX-154467541-C-G. GRCh37 (hg19) VCF-style: chrX-153695884-C-G.
Identifiers: ClinVar variation 3353033 (VCV003353033.1).

ClinVar aggregate classification (germline): Uncertain significance (0 of 4 stars; one submission).

Conditions:
PLXNA3-related disorder. Also called: PLXNA3-related condition.

gnomAD v4.1: 25 of 1,173,891 alleles (0.0021%); highest among the groups gnomAD compares: South Asian, 0.043%; no homozygotes.

Submission:

PreventionGenetics, part of Exact Sciences
Classification: Uncertain significance for PLXNA3-related condition. Last evaluated: 2024-04-22. Review status: no assertion criteria provided. Collection method: clinical testing. Allele origin: germline.
Comment: The PLXNA3 c.3442-4C>G variant is predicted to interfere with splicing. To our knowledge, this variant has not been reported in the literature. This variant is reported in 0.0071% of alleles in individuals of South Asian descent in gnomAD. At this time, the clinical significance of this variant is uncertain due to the absence of conclusive functional and genetic evidence.